The following is an entry in ClinVar:

ClinVar aggregate classification (germline): Likely pathogenic (1 of 4 stars; one submission).

Conditions:
Intellectual disability, X-linked 102 (MRXSSB). Also called: Intellectual developmental disorder, X-linked syndromic, Snijders Blok type. Identifiers: Orphanet 457260, MedGen C5393299, MONDO:0010497, OMIM 300958.

Submission:

3billion
Classification: Likely pathogenic for Intellectual disability, X-linked 102. Last evaluated: 2022-09-01. Review status: criteria provided, single submitter. Criteria: ACMG Guidelines, 2015. Collection method: clinical testing. Allele origin: germline. Affected: yes. Observed: 1 hemizygote.
Comment: The variant is not observed in the gnomAD v2.1.1 dataset. Frameshift variant is predicted to result in a loss or disruption of normal protein function through nonsense-mediated decay (NMD) or protein truncation. Multiple pathogenic variants are reported downstream of the variant. Therefore, this variant is classified as Likely pathogenic according to the recommendation of ACMG/AMP guideline.

NM_001356.5(DDX3X):c.1241dup (p.Asn414fs)

Gene: DDX3X (DEAD-box helicase 3 X-linked; plus strand). Cytogenetic location: Xp11.4.
Variant type: Duplication.
Coding change: c.1241dup on transcript NM_001356.5 (MANE Select); coding-DNA position 1241, one base duplicated (A; older notation c.1241dupA).
Protein change: p.Asn414fs; shifts the reading frame from asparagine 414.
Molecular consequence: frameshift variant. On other transcripts: non-coding transcript variant (1).
Genome position (GRCh38, 1-based): chrX:41,345,474, A duplicated; the last of 4 consecutive A bases (chrX:41,345,471-41,345,474); duplicating any one gives the same sequence. VCF-style (leftmost placement, unchanged base first): chrX-41345470-G-GA. GRCh37 (hg19) VCF-style: chrX-41204723-G-GA.
Other names: c.1241dup, p.Asn414fs (NM_001193416.3); c.1193dup, p.Asn398fs (NM_001193417.3); c.683dup, p.Asn228fs (NM_001363819.1); short protein forms N228fs, N398fs, N414fs.
Identifiers: ClinVar variation 1705588 (VCV001705588.1), dbSNP rs2519519443, ClinGen allele CA2580100993.
Genomic context (GRCh38, chrX:41,345,470, plus strand): 5'-GCTCGTGATTTCTTAGATGAATATATCTTCTTGGCTGTAGGAAGAGTTGGCTCTACCTCT[G>GA]AAAACATCACACAGAAAGTAGTTTGGGTGGAAGAATCAGACAAACGGTCATTTCTGCTTG-3'